The following is an entry in ClinVar:

ClinVar aggregate classification (germline): Uncertain significance (1 of 4 stars; one submission).

Submission:

GeneDx
Classification: Uncertain significance. Last evaluated: 2023-11-30. Review status: criteria provided, single submitter. Criteria: GeneDx Variant Classification Process June 2021. Collection method: clinical testing. Allele origin: germline. Affected: yes.
Comment: Not observed at significant frequency in large population cohorts (gnomAD); In silico analysis supports that this missense variant has a deleterious effect on protein structure/function; In silico analysis suggests this variant may impact gene splicing. In the absence of RNA/functional studies, the actual effect of this sequence change is unknown.; Has not been previously published as pathogenic or benign to our knowledge

NM_004369.4(COL6A3):c.337G>A (p.Gly113Arg)

Gene: COL6A3 (collagen type VI alpha 3 chain; minus strand). Cytogenetic location: 2q37.3.
Variant type: single nucleotide variant.
Coding change: c.337G>A on transcript NM_004369.4 (MANE Select); coding-DNA position 337, G replaced by A.
Protein change: p.Gly113Arg; replaces glycine 113 with arginine.
Molecular consequence: missense variant. On other transcripts: intron variant (4).
Genome position (GRCh38, 1-based): chr2:237,394,959, C>T on the plus strand (G>A on the coding strand, the complement: COL6A3 is on the minus strand). VCF-style: chr2-237394959-C-T. GRCh37 (hg19) VCF-style: chr2-238303602-C-T.
Other names: c.91+1768G>A (NM_057166.5, NM_057167.4, NM_057164.5 and 1 more transcripts); short protein forms G113R.
Identifiers: ClinVar variation 3364876 (VCV003364876.1).